The following is an entry in ClinVar:

NM_001164508.2(NEB):c.24816T>G (p.Tyr8272Ter)

Genes: NEB (nebulin; minus strand), RIF1 (replication timing regulatory factor 1; plus strand). Cytogenetic location: 2q23.3.
Variant type: single nucleotide variant.
Coding change: c.24816T>G on transcript NM_001164508.2 (MANE Select); coding-DNA position 24816, T replaced by G.
Protein change: p.Tyr8272Ter; replaces tyrosine 8272 with a stop codon.
Molecular consequence: nonsense.
Genome position (GRCh38, 1-based): chr2:151,492,444, A>C on the plus strand (T>G on the coding strand, the complement: NEB is on the minus strand). VCF-style: chr2-151492444-A-C. GRCh37 (hg19) VCF-style: chr2-152348958-A-C.
Other names: c.24816T>G, p.Tyr8272Ter (NM_001164507.2); c.24921T>G, p.Tyr8307Ter (NM_001271208.2); c.19248T>G, p.Tyr6416Ter (NM_004543.5); short protein forms Y6416*, Y8272*, Y8307*.
Identifiers: ClinVar variation 1074400 (VCV001074400.7), dbSNP rs1265163979, ClinGen allele CA348774264.

ClinVar aggregate classification (germline): Pathogenic (1 of 4 stars; one submission).

Conditions:
Nemaline myopathy 2 (NEM2). Also called: Nemaline myopathy 2, autosomal recessive. Identifiers: MedGen C1850569, MONDO:0009725, OMIM 256030.

Submission:

Labcorp Genetics (formerly Invitae), Labcorp
Classification: Pathogenic for Nemaline myopathy 2. Last evaluated: 2022-02-03. Review status: criteria provided, single submitter. Criteria: Invitae Variant Classification Sherloc (09022015). Collection method: clinical testing. Allele origin: germline.
Comment: For these reasons, this variant has been classified as Pathogenic. ClinVar contains an entry for this variant (Variation ID: 1074400). This variant has not been reported in the literature in individuals affected with NEB-related conditions. This variant is not present in population databases (gnomAD no frequency). This sequence change creates a premature translational stop signal (p.Tyr8307*) in the NEB gene. It is expected to result in an absent or disrupted protein product. Loss-of-function variants in NEB are known to be pathogenic (PMID: 25205138).

Literature cited by the submitters: PubMed 25205138.